The following is an entry in ClinVar:

ClinVar aggregate classification (germline): Likely pathogenic (1 of 4 stars; one submission).

Conditions:
Junctional epidermolysis bullosa gravis of Herlitz. Also called: EPIDERMOLYSIS BULLOSA JUNCTIONALIS, HERLITZ TYPE; EPIDERMOLYSIS BULLOSA, JUNCTIONAL, HERLITZ-PEARSON TYPE; JEB-HERLITZ TYPE; EPIDERMOLYSIS BULLOSA, JUNCTIONAL 1B, SEVERE; Epidermolysis Bullosa Letalis; Herlitz-type junctional epidermolysis bullosa. Identifiers: Orphanet 79404, MedGen C0079683, MONDO:0009182, OMIM 226700.

Submission:

Myriad Genetics, Inc.
Classification: Likely pathogenic for Junctional epidermolysis bullosa gravis of Herlitz. Last evaluated: 2022-03-06. Review status: criteria provided, single submitter. Criteria: Myriad Women's Health Autosomal Recessive and X-Linked Classification Criteria (2021). Collection method: clinical testing. Allele origin: unknown.
Comment: NM_005562.2(LAMC2):c.927T>A(C309*) is expected to be pathogenic in the context of junctional epidermolysis bullosa, LAMC2-related. This variant is predicted to lead to an abnormal or absent protein product due to the creation of a premature termination codon in LAMC2, a gene where loss-of-function variants are known to be pathogenic. Please note: this variant was assessed in the context of healthy population screening.

NM_005562.3(LAMC2):c.927T>A (p.Cys309Ter)

Gene: LAMC2 (laminin subunit gamma 2; plus strand). Cytogenetic location: 1q25.3.
Variant type: single nucleotide variant.
Coding change: c.927T>A on transcript NM_005562.3 (MANE Select); coding-DNA position 927, T replaced by A.
Protein change: p.Cys309Ter; replaces cysteine 309 with a stop codon.
Molecular consequence: nonsense.
Genome position (GRCh38, 1-based): chr1:183,223,298, T>A. VCF-style: chr1-183223298-T-A. GRCh37 (hg19) VCF-style: chr1-183192433-T-A.
Other names: c.927T>A, p.Cys309Ter (NM_018891.3); short protein forms C309*.
Identifiers: ClinVar variation 1725078 (VCV001725078.2), dbSNP rs2526044331, ClinGen allele CA343682246.